The following is an entry in ClinVar:

NM_001430.5(EPAS1):c.1644G>C (p.Glu548Asp)

Gene: EPAS1 (endothelial PAS domain protein 1; plus strand). Cytogenetic location: 2p21.
Variant type: single nucleotide variant.
Coding change: c.1644G>C on transcript NM_001430.5 (MANE Select); coding-DNA position 1644, G replaced by C.
Protein change: p.Glu548Asp; replaces glutamic acid 548 with aspartic acid.
Molecular consequence: missense variant.
Genome position (GRCh38, 1-based): chr2:46,380,316, G>C. VCF-style: chr2-46380316-G-C. GRCh37 (hg19) VCF-style: chr2-46607455-G-C.
Other names: short protein forms E548D.
Identifiers: ClinVar variation 1777118 (VCV001777118.2), dbSNP rs1466364782, ClinGen allele CA346704576.

ClinVar aggregate classification (germline): Uncertain significance (1 of 4 stars; one submission).

Conditions:
Inborn genetic diseases. Identifiers: MedGen C0950123, MeSH D030342.

Allele frequency attached by ClinVar (database versions not stated): TOPMed below 0.00001.
gnomAD v4.1: 1 of 1,614,118 alleles (0.000062%); no homozygotes.

Submission:

Ambry Genetics
Classification: Uncertain significance for Inborn genetic diseases. Last evaluated: 2022-04-22. Review status: criteria provided, single submitter. Criteria: Ambry Variant Classification Scheme 2023. Collection method: clinical testing. Allele origin: germline.
Comment: The p.E548D variant (also known as c.1644G>C), located in coding exon 12 of the EPAS1 gene, results from a G to C substitution at nucleotide position 1644. The glutamic acid at codon 548 is replaced by aspartic acid, an amino acid with highly similar properties. This amino acid position is conserved. In addition, this alteration is predicted to be tolerated by in silico analysis. Since supporting evidence is limited at this time, the clinical significance of this alteration remains unclear.